The following is an entry in ClinVar:

ClinVar aggregate classification (germline): Uncertain significance (1 of 4 stars; one submission).

Submission:

GeneDx
Classification: Uncertain significance. Last evaluated: 2023-10-12. Review status: criteria provided, single submitter. Criteria: GeneDx Variant Classification Process June 2021. Collection method: clinical testing. Allele origin: germline. Affected: yes.
Comment: Has not been previously published as pathogenic or benign to our knowledge; Not observed at significant frequency in large population cohorts (gnomAD); In silico analysis supports that this missense variant does not alter protein structure/function

NM_001330288.2(SMARCC2):c.3689C>G (p.Pro1230Arg)

Gene: SMARCC2 (SWI/SNF related BAF chromatin remodeling complex subunit C2; minus strand). Cytogenetic location: 12q13.2.
Variant type: single nucleotide variant.
Coding change: c.3689C>G on transcript NM_001330288.2 (MANE Select); coding-DNA position 3689, C replaced by G.
Protein change: p.Pro1230Arg; replaces proline 1230 with arginine.
Molecular consequence: missense variant.
Genome position (GRCh38, 1-based): chr12:56,163,738, G>C on the plus strand (C>G on the coding strand, the complement: SMARCC2 is on the minus strand). VCF-style: chr12-56163738-G-C. GRCh37 (hg19) VCF-style: chr12-56557522-G-C.
Other names: c.3410C>G, p.Pro1137Arg (NM_001130420.3); c.3596C>G, p.Pro1199Arg (NM_003075.5); c.3344C>G, p.Pro1115Arg (NM_139067.4); short protein forms P1115R, P1137R, P1199R, P1230R.
Identifiers: ClinVar variation 3366099 (VCV003366099.1).